The following is an entry in ClinVar:

NM_000453.3(SLC5A5):c.1649C>G (p.Thr550Arg)

Gene: SLC5A5 (solute carrier family 5 member 5; plus strand). Cytogenetic location: 19p13.11.
Variant type: single nucleotide variant.
Coding change: c.1649C>G on transcript NM_000453.3 (MANE Select); coding-DNA position 1649, C replaced by G.
Protein change: p.Thr550Arg; replaces threonine 550 with arginine.
Molecular consequence: missense variant.
Genome position (GRCh38, 1-based): chr19:17,888,453, C>G. VCF-style: chr19-17888453-C-G. GRCh37 (hg19) VCF-style: chr19-17999262-C-G.
Other names: short protein forms T550R.
Identifiers: ClinVar variation 2228780 (VCV002228780.2), dbSNP rs565066868, ClinGen allele CA9303247.

ClinVar aggregate classification (germline): Uncertain significance (1 of 4 stars; one submission).

Conditions:
Inborn genetic diseases. Identifiers: MedGen C0950123, MeSH D030342.

Allele frequency attached by ClinVar (database versions not stated): gnomAD 0.00001; gnomAD exomes 0.00003; ExAC 0.00006; 1000 Genomes Project 0.00040; 1000 Genomes Project 30x 0.00047.
gnomAD v4.1: 43 of 1,613,678 alleles (0.0027%); highest among the groups gnomAD compares: South Asian, 0.045%; no homozygotes.

Submission:

Ambry Genetics
Classification: Uncertain significance for Inborn genetic diseases. Last evaluated: 2021-01-27. Review status: criteria provided, single submitter. Criteria: Ambry Variant Classification Scheme 2023. Collection method: clinical testing. Allele origin: germline.
Comment: The c.1649C>G (p.T550R) alteration is located in exon 13 (coding exon 13) of the SLC5A5 gene. This alteration results from a C to G substitution at nucleotide position 1649, causing the threonine (T) at amino acid position 550 to be replaced by an arginine (R). The p.T550R alteration is predicted to be tolerated by in silico analysis. Based on insufficient or conflicting evidence, the clinical significance of this alteration remains unclear.